The following is an entry in ClinVar:

ClinVar aggregate classification (germline): Uncertain significance. Review status: criteria provided, multiple submitters, no conflicts (2 of 4 stars). 2 submissions from 2 submitters: Uncertain significance (2). Last evaluated 2021-06-29.

Conditions:
Autosomal recessive nonsyndromic hearing loss 66 (DFNB66). Also called: Deafness, autosomal recessive 66. Identifiers: Orphanet 90636, MedGen C1857750, MONDO:0012442, OMIM 610212.
Isolated neonatal sclerosing cholangitis (NSC). Also called: Sclerosing cholangitis, neonatal. Identifiers: Orphanet 480556, MedGen C4479344, MONDO:0018816, OMIM 617394.

Allele frequency attached by ClinVar (database versions not stated): gnomAD exomes below 0.00001; ExAC 0.00001; gnomAD 0.00001; TOPMed 0.00001.
gnomAD v4.1: 1 of 1,614,022 alleles (0.000062%); highest among the groups gnomAD compares: Non-Finnish European, 0.000085%; no homozygotes.

Submissions (2):

GeneDx
Classification: Uncertain significance. Last evaluated: 2021-06-29. Review status: criteria provided, single submitter. Criteria: GeneDx Variant Classification Process June 2021. Collection method: clinical testing. Allele origin: germline. Affected: yes.
Comment: Not observed at significant frequency in large population cohorts (Lek et al., 2016); In silico analysis supports that this missense variant has a deleterious effect on protein structure/function; Has not been previously published as pathogenic or benign to our knowledge; This variant is associated with the following publications: (PMID: 27535533)

Labcorp Genetics (formerly Invitae), Labcorp
Classification: Uncertain significance for Autosomal recessive nonsyndromic hearing loss 66; Isolated neonatal sclerosing cholangitis. Last evaluated: 2018-04-05. Review status: criteria provided, single submitter. Criteria: Invitae Variant Classification Sherloc (09022015). Collection method: clinical testing. Allele origin: germline.
Comment: In summary, the available evidence is currently insufficient to determine the role of this variant in disease. Therefore, it has been classified as a Variant of Uncertain Significance. Algorithms developed to predict the effect of missense changes on protein structure and function do not agree on the potential impact of this missense change (SIFT: "Deleterious"; PolyPhen-2: "Possibly Damaging"; Align-GVGD: "Class C0"). This variant has not been reported in the literature in individuals with DCDC2-related disease. This variant is present in population databases (rs746447569, ExAC 0.001%). This sequence change replaces glycine with alanine at codon 310 of the DCDC2 protein (p.Gly310Ala). The glycine residue is moderately conserved and there is a small physicochemical difference between glycine and alanine.

NM_016356.5(DCDC2):c.929G>C (p.Gly310Ala)

Gene: DCDC2 (doublecortin domain containing 2; minus strand). Cytogenetic location: 6p22.3.
Variant type: single nucleotide variant.
Coding change: c.929G>C on transcript NM_016356.5 (MANE Select); coding-DNA position 929, G replaced by C.
Protein change: p.Gly310Ala; replaces glycine 310 with alanine.
Molecular consequence: missense variant.
Genome position (GRCh38, 1-based): chr6:24,205,096, C>G on the plus strand (G>C on the coding strand, the complement: DCDC2 is on the minus strand). VCF-style: chr6-24205096-C-G. GRCh37 (hg19) VCF-style: chr6-24205324-C-G.
Other names: c.929G>C, p.Gly310Ala (NM_001195610.2); short protein forms G310A.
Identifiers: ClinVar variation 582505 (VCV000582505.10), dbSNP rs746447569, ClinGen allele CA3654557.